The following is an entry in ClinVar:

NM_000492.4(CFTR):c.488A>T (p.Lys163Met)

Gene: CFTR (CF transmembrane conductance regulator; plus strand). Cytogenetic location: 7q31.2.
Variant type: single nucleotide variant.
Coding change: c.488A>T on transcript NM_000492.4 (MANE Select); coding-DNA position 488, A replaced by T.
Protein change: p.Lys163Met; replaces lysine 163 with methionine.
Molecular consequence: missense variant.
Genome position (GRCh38, 1-based): chr7:117,531,113, A>T. VCF-style: chr7-117531113-A-T. GRCh37 (hg19) VCF-style: chr7-117171167-A-T.
Other names: short protein forms K163M.
Identifiers: ClinVar variation 1392039 (VCV001392039.7), dbSNP rs1562889435, ClinGen allele CA368975237.

ClinVar aggregate classification (germline): Conflicting classifications of pathogenicity. Review status: criteria provided, conflicting classifications (1 of 4 stars). 2 submissions from 2 submitters: Likely pathogenic (1); Uncertain significance (1). Last evaluated 2024-02-24.

Conditions:
Cystic fibrosis (CF). Also called: MUCOVISCIDOSIS. Identifiers: Orphanet 586, MedGen C0010674, MONDO:0009061, OMIM 219700. Disease mechanism: loss of function.

Allele frequency attached by ClinVar (database versions not stated): TOPMed below 0.00001.

Submissions (2):

Labcorp Genetics (formerly Invitae), Labcorp
Classification: Uncertain significance for Cystic fibrosis. Last evaluated: 2024-02-24. Review status: criteria provided, single submitter. Criteria: Invitae Variant Classification Sherloc (09022015). Collection method: clinical testing. Allele origin: germline.
Comment: This sequence change replaces lysine, which is basic and polar, with methionine, which is neutral and non-polar, at codon 163 of the CFTR protein (p.Lys163Met). This variant is not present in population databases (gnomAD no frequency). This variant has not been reported in the literature in individuals affected with CFTR-related conditions. ClinVar contains an entry for this variant (Variation ID: 1392039). An algorithm developed to predict the effect of missense changes on protein structure and function (PolyPhen-2) suggests that this variant is likely to be disruptive. Algorithms developed to predict the effect of sequence changes on RNA splicing suggest that this variant may disrupt the consensus splice site. In summary, the available evidence is currently insufficient to determine the role of this variant in disease. Therefore, it has been classified as a Variant of Uncertain Significance.

Institute of Human Genetics, University of Leipzig Medical Center
Classification: Likely pathogenic for Cystic fibrosis. Last evaluated: 2022-09-05. Review status: criteria provided, single submitter. Criteria: ACMG Guidelines, 2015. Collection method: curation. Allele origin: unknown. Affected: yes. Observed: 4 variant alleles.
Comment: This variant was identified in 4 unrelated patients with a clinically confirmed diagnosis of cystic fibrosis. The variant was classified in the context of a project re-classifying variants in the German Cystic Fibrosis Registry (Muko.e.V.). Criteria applied: PM2_SUP, PM3, PM5_SUP, PP3, PP4